The following is an entry in ClinVar:

NM_000051.4:c.(2838_2839)_(5674_5675)del

Gene: ATM (ATM serine/threonine kinase; plus strand).
Variant type: Deletion.
Other names: c.(2838_2839)_(5674_5675)del (NM_000051.4).
Identifiers: ClinVar variation 2505576 (VCV002505576.1).

ClinVar aggregate classification (germline): Pathogenic (1 of 4 stars; one submission).

Conditions:
Familial cancer of breast. Also called: hereditary breast carcinoma; Hereditary breast cancer; BREAST CANCER, FAMILIAL. Identifiers: Orphanet 227535, MedGen C0346153, MONDO:0016419, OMIM 114480. Disease mechanism: loss of function.

Submission:

Dr. med. U. Finckh, Human Genetics, Eurofins MVZ
Classification: Pathogenic for Familial cancer of breast. Review status: criteria provided, single submitter. Criteria: ACMG Guidelines, 2015. Collection method: clinical testing. Allele origin: unknown.